The following is an entry in ClinVar:

ClinVar aggregate classification (germline): Pathogenic/Likely pathogenic. Review status: criteria provided, multiple submitters, no conflicts (2 of 4 stars). 2 submissions from 2 submitters: Pathogenic (1); Likely pathogenic (1). Last evaluated 2023-12-26.

Conditions:
Deficiency of alpha-mannosidase (MANSA). Also called: Mannosidosis, alpha-, types I and II; Alpha-Mannosidosis; LYSOSOMAL ALPHA-D-MANNOSIDASE DEFICIENCY. Identifiers: Orphanet 61, MedGen C0024748, MONDO:0009561, OMIM 248500.

Submissions (2):

Baylor Genetics
Classification: Likely pathogenic for Deficiency of alpha-mannosidase. Last evaluated: 2023-12-26. Review status: criteria provided, single submitter. Criteria: ACMG Guidelines, 2015. Collection method: clinical testing. Allele origin: unknown.

Labcorp Genetics (formerly Invitae), Labcorp
Classification: Pathogenic for Deficiency of alpha-mannosidase. Last evaluated: 2021-06-27. Review status: criteria provided, single submitter. Criteria: Invitae Variant Classification Sherloc (09022015). Collection method: clinical testing. Allele origin: germline.
Comment: This sequence change creates a premature translational stop signal (p.Trp22*) in the MAN2B1 gene. It is expected to result in an absent or disrupted protein product. Loss-of-function variants in MAN2B1 are known to be pathogenic (PMID: 9915946, 22161967). The frequency data for this variant in the population databases is considered unreliable, as metrics indicate insufficient coverage at this position in the ExAC database. This variant has not been reported in the literature in individuals with MAN2B1-related conditions. For these reasons, this variant has been classified as Pathogenic.

Literature cited by the submitters: PubMed 9915946 (cited by Labcorp Genetics (formerly Invitae), Labcorp); PubMed 22161967 (cited by Labcorp Genetics (formerly Invitae), Labcorp).

NM_000528.4(MAN2B1):c.66G>A (p.Trp22Ter)

Genes: MAN2B1 (mannosidase alpha class 2B member 1; minus strand), LOC130063650 (ATAC-STARR-seq lymphoblastoid silent region 10156; plus strand). Cytogenetic location: 19p13.13.
Variant type: single nucleotide variant.
Coding change: c.66G>A on transcript NM_000528.4 (MANE Select); coding-DNA position 66, G replaced by A.
Protein change: p.Trp22Ter; replaces tryptophan 22 with a stop codon.
Molecular consequence: nonsense.
Genome position (GRCh38, 1-based): chr19:12,666,636, C>T on the plus strand (G>A on the coding strand, the complement: MAN2B1 is on the minus strand). VCF-style: chr19-12666636-C-T. GRCh37 (hg19) VCF-style: chr19-12777450-C-T.
Other names: c.66G>A, p.Trp22Ter (NM_001173498.2); short protein forms W22*.
Identifiers: ClinVar variation 1408041 (VCV001408041.7), dbSNP rs2145294443, ClinGen allele CA404260842.